The following is an entry in ClinVar:

ClinVar aggregate classification (germline): Pathogenic (1 of 4 stars; one submission).

Submission:

Labcorp Genetics (formerly Invitae), Labcorp
Classification: Pathogenic. Last evaluated: 2019-05-21. Review status: criteria provided, single submitter. Criteria: Invitae Variant Classification Sherloc (09022015). Collection method: clinical testing. Allele origin: germline.
Comment: This variant is not present in population databases (ExAC no frequency). For these reasons, this variant has been classified as Pathogenic. The current clinical and genetic evidence is not sufficient to establish whether loss-of-function variants in ASXL3 cause disease. This sequence change creates a premature translational stop signal (p.Leu499Phefs*9) in the ASXL3 gene. It is expected to result in an absent or disrupted protein product.

NM_030632.3(ASXL3):c.1496dup (p.Leu499fs)

Gene: ASXL3 (ASXL transcriptional regulator 3; plus strand). Cytogenetic location: 18q12.1.
Variant type: Duplication.
Coding change: c.1496dup on transcript NM_030632.3 (MANE Select); coding-DNA position 1496, one base duplicated (T; older notation c.1496dupT).
Protein change: p.Leu499fs; shifts the reading frame from leucine 499.
Molecular consequence: frameshift variant.
Genome position (GRCh38, 1-based): chr18:33,738,900, T duplicated; the last of 2 consecutive T bases (chr18:33,738,899-33,738,900); duplicating either gives the same sequence. VCF-style (leftmost placement, unchanged base first): chr18-33738898-C-CT. GRCh37 (hg19) VCF-style: chr18-31318862-C-CT.
Other names: short protein forms L499fs.
Identifiers: ClinVar variation 947684 (VCV000947684.9), dbSNP rs2067598008, ClinGen allele CA1139666019.